The following is an entry in ClinVar:

NM_031935.3(HMCN1):c.323G>A (p.Arg108Lys)

Gene: HMCN1 (hemicentin 1; plus strand). Cytogenetic location: 1q31.1.
Variant type: single nucleotide variant.
Coding change: c.323G>A on transcript NM_031935.3 (MANE Select); coding-DNA position 323, G replaced by A.
Protein change: p.Arg108Lys; replaces arginine 108 with lysine.
Molecular consequence: missense variant.
Genome position (GRCh38, 1-based): chr1:185,846,080, G>A. VCF-style: chr1-185846080-G-A. GRCh37 (hg19) VCF-style: chr1-185815212-G-A.
Other names: c.323G>A (NM_031935.2); short protein forms R108K.
Identifiers: ClinVar variation 2976107 (VCV002976107.4), dbSNP rs571498680, ClinGen allele CA1290790.

ClinVar aggregate classification (germline): Uncertain significance. Review status: criteria provided, multiple submitters, no conflicts (2 of 4 stars). 2 submissions from 2 submitters: Uncertain significance (2). Last evaluated 2025-08-09.

Allele frequency attached by ClinVar (database versions not stated): TOPMed 0.00003; 1000 Genomes Project 0.00020; gnomAD 0.00003; ExAC 0.00005; 1000 Genomes Project 30x 0.00016; gnomAD exomes 0.00001.
gnomAD v4.1: 18 of 1,611,094 alleles (0.0011%); highest among the groups gnomAD compares: East Asian, 0.038%; no homozygotes.

Submissions (2):

Labcorp Genetics (formerly Invitae), Labcorp
Classification: Uncertain significance. Last evaluated: 2025-08-09. Review status: criteria provided, single submitter. Criteria: Invitae Variant Classification Sherloc (09022015). Collection method: clinical testing. Allele origin: germline.
Comment: This sequence change replaces arginine, which is basic and polar, with lysine, which is basic and polar, at codon 108 of the HMCN1 protein (p.Arg108Lys). This variant is present in population databases (rs571498680, gnomAD 0.07%), and has an allele count higher than expected for a pathogenic variant. This variant has not been reported in the literature in individuals affected with HMCN1-related conditions. ClinVar contains an entry for this variant (Variation ID: 2976107). An algorithm developed to predict the effect of missense changes on protein structure and function (PolyPhen-2) suggests that this variant is likely to be disruptive. In summary, the available evidence is currently insufficient to determine the role of this variant in disease. Therefore, it has been classified as a Variant of Uncertain Significance.

Ambry Genetics
Classification: Uncertain significance. Last evaluated: 2024-05-13. Review status: criteria provided, single submitter. Criteria: Ambry Variant Classification Scheme 2023. Collection method: clinical testing. Allele origin: germline.